The following is an entry in ClinVar:

ClinVar aggregate classification (germline): Uncertain significance. Review status: criteria provided, multiple submitters, no conflicts (2 of 4 stars). 3 submissions from 3 submitters: Uncertain significance (3). Last evaluated 2025-04-18.

Conditions:
Autosomal recessive limb-girdle muscular dystrophy type 2J (LGMDR10). Also called: Limb-girdle muscular dystrophy, type 2J; MUSCULAR DYSTROPHY, LIMB-GIRDLE, AUTOSOMAL RECESSIVE 10. Identifiers: Orphanet 140922, MedGen C1837342, MONDO:0012127, OMIM 608807.
Dilated cardiomyopathy 1G (CMD1G). Identifiers: Orphanet 154, MedGen C1858763, MONDO:0011400, OMIM 604145.

Allele frequency attached by ClinVar (database versions not stated): gnomAD 0.00001; gnomAD exomes 0.00001; TOPMed 0.00005.
gnomAD v4.1: 22 of 1,613,648 alleles (0.0014%); highest among the groups gnomAD compares: Non-Finnish European, 0.0017%; no homozygotes.

Submissions (3):

GeneDx
Classification: Uncertain significance. Last evaluated: 2025-04-18. Review status: criteria provided, single submitter. Criteria: GeneDx Variant Classification Process June 2021. Collection method: clinical testing. Allele origin: germline. Affected: yes.
Comment: Not observed at significant frequency in large population cohorts (gnomAD); Missense variant in a gene in which most reported pathogenic variants are truncating/loss of function; Has not been previously published as pathogenic or benign to our knowledge

Labcorp Genetics (formerly Invitae), Labcorp
Classification: Uncertain significance for Dilated cardiomyopathy 1G; Autosomal recessive limb-girdle muscular dystrophy type 2J. Last evaluated: 2025-04-17. Review status: criteria provided, single submitter. Criteria: Invitae Variant Classification Sherloc (09022015). Collection method: clinical testing. Allele origin: germline.
Comment: This sequence change replaces phenylalanine, which is neutral and non-polar, with serine, which is neutral and polar, at codon 34039 of the TTN protein (p.Phe34039Ser). This variant is not present in population databases (gnomAD no frequency). This variant has not been reported in the literature in individuals affected with TTN-related conditions. ClinVar contains an entry for this variant (Variation ID: 534966). Experimental studies and prediction algorithms are not available or were not evaluated, and the functional significance of this variant is currently unknown. This variant is located in the M band of TTN (PMID: 25589632). Non-truncating variants in this region may be relevant for neuromuscular disorders, but have not been definitively shown to cause cardiomyopathy (PMID: 23975875). In summary, the available evidence is currently insufficient to determine the role of this variant in disease. Therefore, it has been classified as a Variant of Uncertain Significance.

Revvity Omics, Revvity
Classification: Uncertain significance. Last evaluated: 2024-10-21. Review status: criteria provided, single submitter. Criteria: ACMG Guidelines, 2015. Collection method: clinical testing. Allele origin: germline.

Literature cited by the submitters: PubMed 25589632 (cited by Labcorp Genetics (formerly Invitae), Labcorp); PubMed 23975875 (cited by Labcorp Genetics (formerly Invitae), Labcorp).

NM_001267550.2(TTN):c.102116T>C (p.Phe34039Ser)

Genes: TTN-AS1 (TTN antisense RNA 1; plus strand), TTN (titin; minus strand). Cytogenetic location: 2q31.2.
Variant type: single nucleotide variant.
Coding change: c.102116T>C on transcript NM_001267550.2 (MANE Select); coding-DNA position 102116, T replaced by C.
Protein change: p.Phe34039Ser; replaces phenylalanine 34039 with serine.
Molecular consequence: missense variant.
Genome position (GRCh38, 1-based): chr2:178,534,499, A>G on the plus strand (T>C on the coding strand, the complement: TTN is on the minus strand). VCF-style: chr2-178534499-A-G. GRCh37 (hg19) VCF-style: chr2-179399226-A-G.
Other names: c.102116T>C (NM_001267550.1); c.97193T>C, p.Phe32398Ser (NM_001256850.1); c.74921T>C, p.Phe24974Ser (NM_003319.4); c.94412T>C, p.Phe31471Ser (NM_133378.4); c.75296T>C, p.Phe25099Ser (NM_133432.3); c.75497T>C, p.Phe25166Ser (NM_133437.4); short protein forms F34039S, F24974S, F25166S, F31471S, F32398S, F25099S.
Identifiers: ClinVar variation 534966 (VCV000534966.19), dbSNP rs1553496582, ClinGen allele CA349418325.